The following is an entry in ClinVar:

NM_000093.5(COL5A1):c.966A>T (p.Glu322Asp)

Gene: COL5A1 (collagen type V alpha 1 chain; plus strand). Cytogenetic location: 9q34.3.
Variant type: single nucleotide variant.
Coding change: c.966A>T on transcript NM_000093.5 (MANE Select); coding-DNA position 966, A replaced by T.
Protein change: p.Glu322Asp; replaces glutamic acid 322 with aspartic acid.
Molecular consequence: missense variant.
Genome position (GRCh38, 1-based): chr9:134,730,277, A>T. VCF-style: chr9-134730277-A-T. GRCh37 (hg19) VCF-style: chr9-137622123-A-T.
Other names: c.966A>T, p.Glu322Asp (NM_001278074.1); short protein forms E322D.
Identifiers: ClinVar variation 4807838 (VCV004807838.1).
Genomic context (GRCh38, chr9:134,730,277, plus strand): 5'-CTCTGTCCTTGGCTCCCAGGAGCTGACCCCGACCCCCACGGAAGCTGCTCCCATGCCTGA[A>T]ACCAGTGAAGGGGCTGGGAAGGAAGAGGACGTCGGCATCGGGGACTATGACTACGTGCCC-3'
Protein context (NP_000084.3, residues 312-332): PTPTEAAPMP[Glu322Asp]TSEGAGKEED

ClinVar aggregate classification (germline): Uncertain significance (1 of 4 stars; one submission).

Conditions:
Ehlers-Danlos syndrome, classic type, 1 (EDSCL1). Also called: Ehlers-Danlos Syndrome, Classic Type, COL5A1-Related; EDS I; EHLERS-DANLOS SYNDROME, GRAVIS TYPE; EHLERS-DANLOS SYNDROME, SEVERE CLASSIC TYPE; Ehlers-Danlos syndrome, type 1. Identifiers: MedGen C0268335, MONDO:0019567, OMIM 130000.

Submission:

Labcorp Genetics (formerly Invitae), Labcorp
Classification: Uncertain significance for Ehlers-Danlos syndrome, classic type, 1. Last evaluated: 2026-01-02. Review status: criteria provided, single submitter. Criteria: Invitae Variant Classification Sherloc (09022015). Collection method: clinical testing. Allele origin: germline.
Comment: This sequence change replaces glutamic acid, which is acidic and polar, with aspartic acid, which is acidic and polar, at codon 322 of the COL5A1 protein (p.Glu322Asp). This variant is not present in population databases (gnomAD no frequency). This variant has not been reported in the literature in individuals affected with COL5A1-related conditions. Invitae Evidence Modeling of protein sequence and biophysical properties (such as structural, functional, and spatial information, amino acid conservation, physicochemical variation, residue mobility, and thermodynamic stability) indicates that this missense variant is not expected to disrupt COL5A1 protein function with a negative predictive value of 95%. In summary, the available evidence is currently insufficient to determine the role of this variant in disease. Therefore, it has been classified as a Variant of Uncertain Significance.